The following is an entry in ClinVar:

ClinVar aggregate classification (germline): Benign. Review status: criteria provided, multiple submitters, no conflicts (2 of 4 stars). 12 submissions from 11 submitters: Benign (9). 3 of the submissions do not count toward it. Last evaluated 2026-02-04.

Conditions:
Jeune thoracic dystrophy. Also called: Jeune syndrome; Infantile thoracic dystrophy; Thoracic pelvic phalangeal dystrophy; Jeune's syndrome; Chondroectodermal dysplasia-like syndrome; Short-rib thoracic dysplasia. Identifiers: Orphanet 474, MedGen C0265275, MONDO:0018770.
Nephronophthisis. Also called: Juvenile Nephronophthisis. Identifiers: Orphanet 655, MedGen C0687120, MONDO:0019005, HP:0000090.
Nephronophthisis 12 (NPHP12). Identifiers: Orphanet 655, MedGen C3151186, MONDO:0013442, OMIM 613820.
Asphyxiating thoracic dystrophy 4 (SRTD4). Also called: SHORT-RIB THORACIC DYSPLASIA 4 WITH OR WITHOUT POLYDACTYLY; SHORT-RIB THORACIC DYSPLASIA 4. Identifiers: Orphanet 474, MedGen C3151185, MONDO:0013441, OMIM 613819.

Allele frequency attached by ClinVar (database versions not stated): 1000 Genomes Project 0.29173; 1000 Genomes Project 30x 0.29325; gnomAD exomes 0.32750 and 0.37200; ExAC 0.33312; TOPMed 0.33516; gnomAD 0.34306 and 0.34586; ESP Exome Variant Server 0.36127.
gnomAD v4.1: 594,606 of 1,610,158 alleles (37%); highest among the groups gnomAD compares: Non-Finnish European, 39%; 112,556 homozygotes.

Submissions (12):

Labcorp Genetics (formerly Invitae), Labcorp
Classification: Benign for Jeune thoracic dystrophy; Nephronophthisis. Last evaluated: 2026-02-04. Review status: criteria provided, single submitter. Criteria: Invitae Variant Classification Sherloc (09022015). Collection method: clinical testing. Allele origin: germline.

Blueprint Genetics
Classification: Benign. Last evaluated: 2024-11-26. Review status: criteria provided, single submitter. Criteria: ACMG Guidelines, 2015. Collection method: clinical testing. Allele origin: germline.

Mayo Clinic Laboratories, Mayo Clinic
Classification: Benign. Last evaluated: 2022-03-09. Review status: criteria provided, single submitter. Criteria: ACMG Guidelines, 2015. Collection method: clinical testing. Allele origin: germline. Observed: 146 variant alleles.

Genome-Nilou Lab
Classification: Benign for Asphyxiating thoracic dystrophy 4. Last evaluated: 2021-09-10. Review status: criteria provided, single submitter. Criteria: ACMG Guidelines, 2015. Collection method: clinical testing. Allele origin: germline. Affected: no.

Illumina Laboratory Services, Illumina
Classification: Benign for Asphyxiating thoracic dystrophy 4. Last evaluated: 2018-01-13. Review status: criteria provided, single submitter. Criteria: ICSL Variant Classification Criteria 13 December 2019. Collection method: clinical testing. Allele origin: germline.
Comment: This variant was observed in the ICSL laboratory as part of a predisposition screen in an ostensibly healthy population. It had not been previously curated by ICSL or reported in the Human Gene Mutation Database (HGMD: prior to June 1st, 2018), and was therefore a candidate for classification through an automated scoring system. Utilizing variant allele frequency, disease prevalence and penetrance estimates, and inheritance mode, an automated score was calculated to assess if this variant is too frequent to cause the disease. Based on the score and internal cut-off values, a variant classified as benign is not then subjected to further curation. The score for this variant resulted in a classification of benign for this disease.

Illumina Laboratory Services, Illumina
Classification: Benign for Nephronophthisis 12. Last evaluated: 2018-01-13. Review status: criteria provided, single submitter. Criteria: ICSL Variant Classification Criteria 13 December 2019. Collection method: clinical testing. Allele origin: germline.
Comment: the same text as in the submission from Illumina Laboratory Services, Illumina above.

GeneDx
Classification: Benign. Last evaluated: 2016-01-11. Review status: criteria provided, single submitter. Criteria: GeneDx Variant Classification (06012015). Collection method: clinical testing. Allele origin: germline. Affected: yes.
Comment: This variant is considered likely benign or benign based on one or more of the following criteria: it is a conservative change, it occurs at a poorly conserved position in the protein, it is predicted to be benign by multiple in silico algorithms, and/or has population frequency not consistent with disease.

Breakthrough Genomics
Classification: Benign. Review status: criteria provided, single submitter. Criteria: ACMG Guidelines, 2015. Collection method: not provided. Allele origin: germline. Inheritance: Autosomal recessive inheritance. Affected: yes.

PreventionGenetics, part of Exact Sciences
Classification: Benign. Review status: criteria provided, single submitter. Criteria: ACMG Guidelines, 2015. Collection method: clinical testing. Allele origin: germline.

Clinical Genetics DNA and cytogenetics Diagnostics Lab, Erasmus MC, Erasmus Medical Center
Classification: Benign. Review status: no assertion criteria provided. Collection method: clinical testing. Allele origin: germline. Affected: yes. Study: VKGL Data-share Consensus. Not counted in ClinVar's aggregate classification.

Diagnostic Laboratory, Department of Genetics, University Medical Center Groningen
Classification: Benign. Review status: no assertion criteria provided. Collection method: clinical testing. Allele origin: germline. Affected: yes. Study: VKGL Data-share Consensus. Not counted in ClinVar's aggregate classification.

Genetic Services Laboratory, University of Chicago
Classification: Likely benign for AllHighlyPenetrant. Review status: no assertion criteria provided. Collection method: clinical testing. Allele origin: germline. Inheritance: Autosomal recessive inheritance. Not counted in ClinVar's aggregate classification.
Comment: Likely benign based on allele frequency in 1000 Genomes Project or ESP global frequency and its presence in a patient with a rare or unrelated disease phenotype. NOT Sanger confirmed.

NM_024753.5(TTC21B):c.1695C>T (p.Tyr565=)

Gene: TTC21B (tetratricopeptide repeat domain 21B; minus strand). Cytogenetic location: 2q24.3.
Variant type: single nucleotide variant.
Coding change: c.1695C>T on transcript NM_024753.5 (MANE Select); coding-DNA position 1695, C replaced by T.
Protein change: p.Tyr565=; no amino-acid change (tyrosine 565 retained).
Molecular consequence: synonymous variant.
Genome position (GRCh38, 1-based): chr2:165,917,461, G>A on the plus strand (C>T on the coding strand, the complement: TTC21B is on the minus strand). VCF-style: chr2-165917461-G-A. GRCh37 (hg19) VCF-style: chr2-166773971-G-A.
Other names: p.Tyr565=.
Identifiers: ClinVar variation 130650 (VCV000130650.29), dbSNP rs6750044, ClinGen allele CA155844.